The following is an entry in ClinVar:

ClinVar aggregate classification (germline): Uncertain significance (1 of 4 stars; one submission).

Conditions:
Catecholaminergic polymorphic ventricular tachycardia (CVPT). Also called: Catecholamine-induced polymorphic ventricular tachycardia. Identifiers: Orphanet 3286, MedGen C5574922, MONDO:0017990.

Submission:

All of Us Research Program, National Institutes of Health
Classification: Uncertain significance for Catecholaminergic polymorphic ventricular tachycardia. Last evaluated: 2024-07-02. Review status: criteria provided, single submitter. Criteria: ACMG Guidelines, 2015. Collection method: clinical testing. Allele origin: germline. Inheritance: Autosomal dominant inheritance. Observed: 1 variant allele, 1 heterozygote.
Comment: To date, this variant has not been reported in association with human disease in the medical literature. This variant is absent from or rare in large population databases, including the Genome Aggregation Database. This gene has fewer missense variants in the general population than expected, which suggests that this gene is intolerant to missense variation.

This study involves interpretation of variants in research participants for the purpose of population health screening. Participant phenotype was not available at the time of variant classification. Additional details can be found in publication PMID: 35346344, PMCID: PMC8962531

NM_001035.3(RYR2):c.2905A>G (p.Asn969Asp)

Gene: RYR2 (ryanodine receptor 2; plus strand). Cytogenetic location: 1q43.
Variant type: single nucleotide variant.
Coding change: c.2905A>G on transcript NM_001035.3 (MANE Select); coding-DNA position 2905, A replaced by G.
Protein change: p.Asn969Asp; replaces asparagine 969 with aspartic acid.
Molecular consequence: missense variant.
Genome position (GRCh38, 1-based): chr1:237,530,509, A>G. VCF-style: chr1-237530509-A-G. GRCh37 (hg19) VCF-style: chr1-237693809-A-G.
Other names: short protein forms N969D.
Identifiers: ClinVar variation 3385696 (VCV003385696.1).